The following is an entry in ClinVar:

NM_000540.3(RYR1):c.7726G>A (p.Ala2576Thr)

Gene: RYR1 (ryanodine receptor 1; plus strand). Cytogenetic location: 19q13.2.
Variant type: single nucleotide variant.
Coding change: c.7726G>A on transcript NM_000540.3 (MANE Select); coding-DNA position 7726, G replaced by A.
Protein change: p.Ala2576Thr; replaces alanine 2576 with threonine.
Molecular consequence: missense variant.
Genome position (GRCh38, 1-based): chr19:38,502,618, G>A. VCF-style: chr19-38502618-G-A. GRCh37 (hg19) VCF-style: chr19-38993258-G-A.
Other names: c.7726G>A, p.Ala2576Thr (NM_001042723.2); short protein forms A2576T.
Identifiers: ClinVar variation 3072608 (VCV003072608.1), dbSNP rs767394054, ClinGen allele CA070074.

ClinVar aggregate classification (germline): Uncertain significance (1 of 4 stars; one submission).

Conditions:
Malignant hyperthermia, susceptibility to, 1 (MHS1). Also called: Anesthesia related hyperthermia; Malignant hyperpyrexia; Fulminating hyperpyrexia; Pharmacogenic myopathy; RYR1-Related Malignant Hyperthermia Susceptibility; Malignant hyperthermia suceptibility 1. Identifiers: Orphanet 423, MedGen C2930980, MONDO:0007783, OMIM 145600.

Allele frequency attached by ClinVar (database versions not stated): ExAC 0.00001; gnomAD 0.00001; gnomAD exomes 0.00001; TOPMed 0.00001.
gnomAD v4.1: 5 of 1,612,858 alleles (0.00031%); highest among the groups gnomAD compares: South Asian, 0.0033%; no homozygotes.

Submission:

All of Us Research Program, National Institutes of Health
Classification: Uncertain significance for Malignant hyperthermia, susceptibility to, 1. Last evaluated: 2023-08-15. Review status: criteria provided, single submitter. Criteria: ACMG Guidelines, 2015. Collection method: clinical testing. Allele origin: germline. Inheritance: Autosomal dominant inheritance. Observed: 1 variant allele, 1 heterozygote.
Comment: This study involves interpretation of variants in research participants for the purpose of population health screening. Participant phenotype was not available at the time of variant classification. Additional details can be found in publication PMID: 35346344, PMCID: PMC8962531